The following is an entry in ClinVar:

NM_000784.4(CYP27A1):c.641T>C (p.Leu214Ser)

Gene: CYP27A1 (cytochrome P450 family 27 subfamily A member 1; plus strand). Cytogenetic location: 2q35.
Variant type: single nucleotide variant.
Coding change: c.641T>C on transcript NM_000784.4 (MANE Select); coding-DNA position 641, T replaced by C.
Protein change: p.Leu214Ser; replaces leucine 214 with serine.
Molecular consequence: missense variant.
Genome position (GRCh38, 1-based): chr2:218,812,416, T>C. VCF-style: chr2-218812416-T-C. GRCh37 (hg19) VCF-style: chr2-219677139-T-C.
Other names: short protein forms L214S.
Identifiers: ClinVar variation 1413386 (VCV001413386.3), dbSNP rs2105980045, ClinGen allele CA350585672.

ClinVar aggregate classification (germline): Uncertain significance (1 of 4 stars; one submission).

Conditions:
Cholestanol storage disease (CTX). Also called: Cerebrotendinous Xanthomatosis; CTX: Cerebrotendinous xanthomatosis; CEREBRAL CHOLESTERINOSIS. Identifiers: Orphanet 909, MedGen C0238052, MONDO:0008948, OMIM 213700.

Allele frequency attached by ClinVar (database versions not stated): gnomAD exomes below 0.00001.
gnomAD v4.1: 2 of 1,614,192 alleles (0.00012%); highest among the groups gnomAD compares: Non-Finnish European, 0.00017%; no homozygotes.

Submission:

Labcorp Genetics (formerly Invitae), Labcorp
Classification: Uncertain significance for Cholestanol storage disease. Last evaluated: 2021-08-26. Review status: criteria provided, single submitter. Criteria: Invitae Variant Classification Sherloc (09022015). Collection method: clinical testing. Allele origin: germline.
Comment: This sequence change replaces leucine with serine at codon 214 of the CYP27A1 protein (p.Leu214Ser). The leucine residue is highly conserved and there is a large physicochemical difference between leucine and serine. This variant is not present in population databases (ExAC no frequency). This variant has not been reported in the literature in individuals affected with CYP27A1-related conditions. Advanced modeling of protein sequence and biophysical properties (such as structural, functional, and spatial information, amino acid conservation, physicochemical variation, residue mobility, and thermodynamic stability) performed at Invitae indicates that this missense variant is expected to disrupt CYP27A1 protein function. In summary, the available evidence is currently insufficient to determine the role of this variant in disease. Therefore, it has been classified as a Variant of Uncertain Significance.